The following is an entry in ClinVar:

ClinVar aggregate classification (germline): Uncertain significance (1 of 4 stars; one submission).

Allele frequency attached by ClinVar (database versions not stated): ExAC 0.00002; gnomAD 0.00003; TOPMed 0.00003.
gnomAD v4.1: 30 of 1,606,052 alleles (0.0019%); highest among the groups gnomAD compares: Non-Finnish European, 0.0024%; no homozygotes.

Submission:

Labcorp Genetics (formerly Invitae), Labcorp
Classification: Uncertain significance. Last evaluated: 2024-09-23. Review status: criteria provided, single submitter. Criteria: Invitae Variant Classification Sherloc (09022015). Collection method: clinical testing. Allele origin: germline.
Comment: This sequence change replaces valine, which is neutral and non-polar, with methionine, which is neutral and non-polar, at codon 326 of the NAA35 protein (p.Val326Met). This variant is present in population databases (rs760774532, gnomAD 0.005%). This variant has not been reported in the literature in individuals affected with NAA35-related conditions. ClinVar contains an entry for this variant (Variation ID: 2175639). An algorithm developed to predict the effect of missense changes on protein structure and function (PolyPhen-2) suggests that this variant is likely to be tolerated. In summary, the available evidence is currently insufficient to determine the role of this variant in disease. Therefore, it has been classified as a Variant of Uncertain Significance.

NM_024635.4(NAA35):c.976G>A (p.Val326Met)

Gene: NAA35 (N-alpha-acetyltransferase 35, NatC auxiliary subunit; plus strand). Cytogenetic location: 9q21.33.
Variant type: single nucleotide variant.
Coding change: c.976G>A on transcript NM_024635.4 (MANE Select); coding-DNA position 976, G replaced by A.
Protein change: p.Val326Met; replaces valine 326 with methionine.
Molecular consequence: missense variant.
Genome position (GRCh38, 1-based): chr9:85,996,497, G>A. VCF-style: chr9-85996497-G-A. GRCh37 (hg19) VCF-style: chr9-88611412-G-A.
Other names: c.976G>A, p.Val326Met (NM_001321881.2, NM_001321882.2); short protein forms V326M.
Identifiers: ClinVar variation 2175639 (VCV002175639.4), dbSNP rs760774532, ClinGen allele CA5107311.